The following is an entry in ClinVar:

ClinVar aggregate classification (germline): Likely benign (0 of 4 stars; one submission).

Conditions:
TUB-related disorder. Also called: TUB-related condition.

Submission:

PreventionGenetics, part of Exact Sciences
Classification: Likely benign for TUB-related condition. Last evaluated: 2021-06-08. Review status: no assertion criteria provided. Collection method: clinical testing. Allele origin: germline.
Comment: This variant is classified as likely benign based on ACMG/AMP sequence variant interpretation guidelines (Richards et al. 2015 PMID: 25741868, with internal and published modifications).

NM_003320.5(TUB):c.120A>G (p.Lys40=)

Gene: TUB (TUB bipartite transcription factor; plus strand). Cytogenetic location: 11p15.4.
Variant type: single nucleotide variant.
Coding change: c.120A>G on transcript NM_003320.5; coding-DNA position 120, A replaced by G.
Protein change: p.Lys40=; no amino-acid change (lysine 40 retained).
Molecular consequence: synonymous variant. On other transcripts: intron variant (4).
Genome position (GRCh38, 1-based): chr11:8,038,993, A>G. VCF-style: chr11-8038993-A-G. GRCh37 (hg19) VCF-style: chr11-8060540-A-G.
Other names: c.56+19635A>G (NM_001440538.1, NM_001440539.1, NM_001440540.1 and 1 more transcripts).
Identifiers: ClinVar variation 3357892 (VCV003357892.1).